The following is an entry in ClinVar:

NM_001378120.1(MBD5):c.4286A>G (p.Gln1429Arg)

Gene: MBD5 (methyl-CpG binding domain protein 5; plus strand). Cytogenetic location: 2q23.1.
Variant type: single nucleotide variant.
Coding change: c.4286A>G on transcript NM_001378120.1 (MANE Select); coding-DNA position 4286, A replaced by G.
Protein change: p.Gln1429Arg; replaces glutamine 1429 with arginine.
Molecular consequence: missense variant.
Genome position (GRCh38, 1-based): chr2:148,489,918, A>G. VCF-style: chr2-148489918-A-G. GRCh37 (hg19) VCF-style: chr2-149247487-A-G.
Other names: c.3587A>G, p.Gln1196Arg (NM_018328.5); short protein forms Q1196R, Q1429R.
Identifiers: ClinVar variation 3724191 (VCV003724191.2).
Genomic context (GRCh38, chr2:148,489,918, plus strand): 5'-TGAACGAAGGAGATGGGTTTGAATATTTCAAGTCAGCAAGTTGCCACACATCCAAAAAAC[A>G]GTGGGACGGGGAGCAAAGCCCCAGAGGGGAGCGAAACAGGTGGAAGTACGAGGAATTTTT-3'
Protein context (NP_001365049.1, residues 1419-1439): KSASCHTSKK[Gln1429Arg]WDGEQSPRGE

ClinVar aggregate classification (germline): Uncertain significance (1 of 4 stars; one submission).

Conditions:
Intellectual developmental disorder, autosomal dominant 1. Also called: MBD5 Haploinsufficiency; Intellectual disability, autosomal dominant 1. Identifiers: Orphanet 228402, MedGen C1969562, MONDO:0007974, OMIM 156200.

Submission:

Labcorp Genetics (formerly Invitae), Labcorp
Classification: Uncertain significance for Intellectual developmental disorder, autosomal dominant 1. Last evaluated: 2025-03-19. Review status: criteria provided, single submitter. Criteria: Invitae Variant Classification Sherloc (09022015). Collection method: clinical testing. Allele origin: germline.
Comment: This sequence change replaces glutamine, which is neutral and polar, with arginine, which is basic and polar, at codon 1196 of the MBD5 protein (p.Gln1196Arg). This variant is not present in population databases (gnomAD no frequency). This missense change has been observed in individual(s) with MBD5-related conditions (PMID: 33057194, 35982159). Experimental studies and prediction algorithms are not available or were not evaluated, and the functional significance of this variant is currently unknown. In summary, the available evidence is currently insufficient to determine the role of this variant in disease. Therefore, it has been classified as a Variant of Uncertain Significance.

Literature cited by the submitters: PubMed 33057194; PubMed 35982159.